The following is an entry in ClinVar:

ClinVar aggregate classification (germline): Uncertain significance (1 of 4 stars; one submission).

Conditions:
Polycystic kidney disease, adult type (PKD1). Also called: Polycystic Kidney, Autosomal Dominant; POLYCYSTIC KIDNEY DISEASE 1 WITH OR WITHOUT POLYCYSTIC LIVER DISEASE; Polycystic Kidney Disease 1, Autosomal Dominant; Polycystic kidney disease 1; Polycystic kidney disease 1, severe; POLYCYSTIC KIDNEY DISEASE, ADULT, TYPE I. Identifiers: MedGen C3149841, MONDO:0008263, OMIM 173900.

Submission:

MVZ Medizinische Genetik Mainz
Classification: Uncertain significance for Polycystic kidney disease, adult type. Last evaluated: 2022-07-19. Review status: criteria provided, single submitter. Criteria: UK Practice Guidelines For Variant Classification V4 01 2020. Collection method: clinical testing. Allele origin: germline. Inheritance: Autosomal dominant inheritance. Affected: yes. Observed: 1 variant allele.
Comment: ACMG Criteria: PM2_SUP, PP4, BP4 (ACMG Version 4)

NM_001009944.3(PKD1):c.1787C>A (p.Thr596Asn)

Gene: PKD1 (polycystin 1, transient receptor potential channel interacting; minus strand). Cytogenetic location: 16p13.3.
Variant type: single nucleotide variant.
Coding change: c.1787C>A on transcript NM_001009944.3 (MANE Select); coding-DNA position 1787, C replaced by A.
Protein change: p.Thr596Asn; replaces threonine 596 with asparagine.
Molecular consequence: missense variant.
Genome position (GRCh38, 1-based): chr16:2,116,054, G>T on the plus strand (C>A on the coding strand, the complement: PKD1 is on the minus strand). VCF-style: chr16-2116054-G-T. GRCh37 (hg19) VCF-style: chr16-2166055-G-T.
Other names: c.1787C>A, p.Thr596Asn (NM_000296.4); short protein forms T596N.
Identifiers: ClinVar variation 3068363 (VCV003068363.1), dbSNP rs2544866152, ClinGen allele CA394391151.